The following is an entry in ClinVar:

ClinVar aggregate classification (germline): Conflicting classifications of pathogenicity. Review status: criteria provided, conflicting classifications (1 of 4 stars). 5 submissions from 5 submitters: Uncertain significance (3); Likely benign (2). Last evaluated 2026-06-08.

Conditions:
Hereditary cancer-predisposing syndrome. Also called: Hereditary neoplastic syndrome; Neoplastic Syndromes, Hereditary; Hereditary Cancer Syndrome; Tumor predisposition. Identifiers: Orphanet 140162, MedGen C0027672, MeSH D009386, MONDO:0015356.
Hereditary pheochromocytoma and paraganglioma. Also called: Hereditary Paraganglioma-Pheochromocytoma Syndromes; Hereditary paragangliomas and pheochromocytomas; Hereditary pheochromocytoma-paraganglioma. Identifiers: Orphanet 29072, MedGen C4274332, MONDO:0017366.
Pheochromocytoma. Also called: MAX-Related Hereditary Paraganglioma-Pheochromocytoma Syndrome. Identifiers: Orphanet 29072, MedGen C0031511, MONDO:0008233, OMIM 171300, HP:0002666.

Allele frequency attached by ClinVar (database versions not stated): gnomAD exomes 0.00004 and 0.00010; TOPMed 0.00005; ExAC 0.00002; gnomAD 0.00011 and 0.00012.
gnomAD v4.1: 154 of 1,613,924 alleles (0.0095%); highest among the groups gnomAD compares: Non-Finnish European, 0.013%; no homozygotes.

Submissions (5):

Myriad Genetics, Inc.
Classification: Likely benign for Pheochromocytoma. Last evaluated: 2026-06-08. Review status: criteria provided, single submitter. Criteria: Myriad Autosomal Dominant, Autosomal Recessive and X-Linked Classification Criteria (2023). Collection method: clinical testing. Allele origin: unknown.
Comment: This variant is considered likely benign. This variant has been observed at a population frequency that is significantly greater than expected given the associated disease prevalence and penetrance.

Labcorp Genetics (formerly Invitae), Labcorp
Classification: Uncertain significance for Hereditary pheochromocytoma and paraganglioma. Last evaluated: 2026-01-11. Review status: criteria provided, single submitter. Criteria: Invitae Variant Classification Sherloc (09022015). Collection method: clinical testing. Allele origin: germline.
Comment: This sequence change replaces asparagine, which is neutral and polar, with threonine, which is neutral and polar, at codon 114 of the MAX protein (p.Asn114Thr). This variant is present in population databases (rs772912674, gnomAD 0.009%). This missense change has been observed in individual(s) with isolated paraganglioma (PMID: 26070438). This variant is also known as p.N105T. ClinVar contains an entry for this variant (Variation ID: 239150). Invitae Evidence Modeling incorporating data from in vitro experimental studies (internal data) indicates that this missense variant is not expected to disrupt MAX function with a negative predictive value of 95%. Experimental studies have shown that this missense change does not substantially affect MAX function (PMID: 26070438). In summary, the available evidence is currently insufficient to determine the role of this variant in disease. Therefore, it has been classified as a Variant of Uncertain Significance.

GeneDx
Classification: Uncertain significance. Last evaluated: 2024-06-13. Review status: criteria provided, single submitter. Criteria: GeneDx Variant Classification Process June 2021. Collection method: clinical testing. Allele origin: germline. Affected: yes.
Comment: Observed in an individual with isolated paraganglioma (PMID: 26070438); Published functional studies demonstrate no substantial impact on MAX function (PMID: 26070438); In silico analysis supports that this missense variant has a deleterious effect on protein structure/function; This variant is associated with the following publications: (PMID: 26070438)

Baylor Genetics
Classification: Uncertain significance for Pheochromocytoma. Last evaluated: 2023-09-17. Review status: criteria provided, single submitter. Criteria: ACMG Guidelines, 2015. Collection method: clinical testing. Allele origin: unknown.

Ambry Genetics
Classification: Likely benign for Hereditary cancer-predisposing syndrome. Last evaluated: 2019-01-11. Review status: criteria provided, single submitter. Criteria: Ambry Variant Classification Scheme 2023. Collection method: clinical testing. Allele origin: germline.

Literature cited by the submitters: PubMed 26070438 (cited by Labcorp Genetics (formerly Invitae), Labcorp and Ambry Genetics).

NM_002382.5(MAX):c.341A>C (p.Asn114Thr)

Gene: MAX (MYC associated transcriptional regulator X; minus strand). Cytogenetic location: 14q23.3.
Variant type: single nucleotide variant.
Coding change: c.341A>C on transcript NM_002382.5 (MANE Select); coding-DNA position 341, A replaced by C.
Protein change: p.Asn114Thr; replaces asparagine 114 with threonine.
Molecular consequence: missense variant. On other transcripts: 3 prime UTR variant (1), intron variant (2).
Genome position (GRCh38, 1-based): chr14:65,076,618, T>G on the plus strand (A>C on the coding strand, the complement: MAX is on the minus strand). VCF-style: chr14-65076618-T-G. GRCh37 (hg19) VCF-style: chr14-65543336-T-G.
Other names: c.140A>C, p.Asn47Thr (NM_001407111.1, NM_001407112.1); c.314A>C, p.Asn105Thr (NM_145112.3, NM_001407095.1); c.*130A>C (NM_145113.3, NM_001407097.1, NM_001407100.1 and 4 more transcripts); c.152A>C, p.Asn51Thr (NM_001320415.2, NM_001407105.1, NM_001407106.1 and 1 more transcripts); c.341A>C, p.Asn114Thr (NM_001407094.1); c.*114A>C (NM_001407096.1, NM_001407099.1, NM_001407102.1 and 2 more transcripts); c.233A>C, p.Asn78Thr (NM_001407098.1); c.144+17090A>C (NM_001271069.2); and 1 more; short protein forms N114T, N51T, N105T, N47T, N78T.
Identifiers: ClinVar variation 239150 (VCV000239150.21), dbSNP rs772912674, ClinGen allele CA7232806.
Genomic context (GRCh38, chr14:65,076,618, plus strand): 5'-AAGGCAGAGATGGTGCTGCCCTTGGCGTTGGTGTAGAGGCTGTTGTCTGAGGAGGGGTAG[T>G]TGGTCTGCAGTTGGGCACTTGACCTCGCCTTCTCCAGTGCACGGACTAAAAGGCAACCAA-3'
Protein context (NP_002373.3, residues 104-124): KARSSAQLQT[Asn114Thr]YPSSDNSLYT